The following is an entry in ClinVar:

NM_052874.5(STX1B):c.168G>A (p.Gln56=)

Gene: STX1B (syntaxin 1B; minus strand). Cytogenetic location: 16p11.2.
Variant type: single nucleotide variant.
Coding change: c.168G>A on transcript NM_052874.5 (MANE Select); coding-DNA position 168, G replaced by A.
Protein change: p.Gln56=; no amino-acid change (glutamine 56 retained).
Molecular consequence: synonymous variant.
Genome position (GRCh38, 1-based): chr16:31,001,131, C>T on the plus strand (G>A on the coding strand, the complement: STX1B is on the minus strand). VCF-style: chr16-31001131-C-T. GRCh37 (hg19) VCF-style: chr16-31012452-C-T.
Identifiers: ClinVar variation 1302513 (VCV001302513.2), dbSNP rs2143677712, ClinGen allele CA494693398.

ClinVar aggregate classification (germline): Uncertain significance (1 of 4 stars; one submission).

Submission:

GeneDx
Classification: Uncertain significance. Last evaluated: 2019-04-03. Review status: criteria provided, single submitter. Criteria: GeneDx Variant Classification Process June 2021. Collection method: clinical testing. Allele origin: germline. Affected: yes.
Comment: Not observed in large population cohorts (Lek et al., 2016); In silico analysis, which includes splice predictors and evolutionary conservation, supports that this variant does not alter protein structure/function; Has not been previously published as pathogenic or benign to our knowledge